The following is an entry in ClinVar:

NM_002317.7(LOX):c.19G>T (p.Val7Leu)

Genes: LOX (lysyl oxidase; minus strand), SRFBP1 (serum response factor binding protein 1; plus strand). Cytogenetic location: 5q23.1.
Variant type: single nucleotide variant.
Coding change: c.19G>T on transcript NM_002317.7 (MANE Select); coding-DNA position 19, G replaced by T.
Protein change: p.Val7Leu; replaces valine 7 with leucine.
Molecular consequence: missense variant.
Genome position (GRCh38, 1-based): chr5:122,077,967, C>A on the plus strand (G>T on the coding strand, the complement: LOX is on the minus strand). VCF-style: chr5-122077967-C-A. GRCh37 (hg19) VCF-style: chr5-121413662-C-A.
Other names: short protein forms V7L.
Identifiers: ClinVar variation 3645560 (VCV003645560.2).

ClinVar aggregate classification (germline): Uncertain significance (1 of 4 stars; one submission).

Submission:

Labcorp Genetics (formerly Invitae), Labcorp
Classification: Uncertain significance. Last evaluated: 2024-03-12. Review status: criteria provided, single submitter. Criteria: Invitae Variant Classification Sherloc (09022015). Collection method: clinical testing. Allele origin: germline.
Comment: This sequence change replaces valine, which is neutral and non-polar, with leucine, which is neutral and non-polar, at codon 7 of the LOX protein (p.Val7Leu). This variant is not present in population databases (gnomAD no frequency). This variant has not been reported in the literature in individuals affected with LOX-related conditions. Advanced modeling of protein sequence and biophysical properties (such as structural, functional, and spatial information, amino acid conservation, physicochemical variation, residue mobility, and thermodynamic stability) performed at Invitae indicates that this missense variant is not expected to disrupt LOX protein function with a negative predictive value of 80%. In summary, the available evidence is currently insufficient to determine the role of this variant in disease. Therefore, it has been classified as a Variant of Uncertain Significance.